The following is an entry in ClinVar:

NM_014297.5(ETHE1):c.493G>C (p.Asp165His)

Gene: ETHE1 (ETHE1 persulfide dioxygenase; minus strand). Cytogenetic location: 19q13.31.
Variant type: single nucleotide variant.
Coding change: c.493G>C on transcript NM_014297.5 (MANE Select); coding-DNA position 493, G replaced by C.
Protein change: p.Asp165His; replaces aspartic acid 165 with histidine.
Molecular consequence: missense variant.
Genome position (GRCh38, 1-based): chr19:43,511,449, C>G on the plus strand (G>C on the coding strand, the complement: ETHE1 is on the minus strand). VCF-style: chr19-43511449-C-G. GRCh37 (hg19) VCF-style: chr19-44015601-C-G.
Other names: D165H; c.493G>C (NM_014297.4); c.460G>C, p.Asp154His (NM_001320867.2); c.124G>C, p.Asp42His (NM_001320868.2); c.199G>C, p.Asp67His (NM_001320869.2); short protein forms D154H, D42H, D67H.
Identifiers: ClinVar variation 3363203 (VCV003363203.3).

ClinVar aggregate classification (germline): Conflicting classifications of pathogenicity. Review status: criteria provided, conflicting classifications (1 of 4 stars). 3 submissions from 3 submitters: Likely pathogenic (1); Uncertain significance (1). 1 of the submissions does not count toward it. Last evaluated 2024-05-24.

Conditions:
Ethylmalonic encephalopathy (EE). Also called: EPEMA syndrome; Encephalopathy, petechiae, and ethylmalonic aciduria; Syndrome of encephalopathy, petechiae, and ethylmalonic aciduria. Identifiers: Orphanet 51188, MedGen C1865349, MONDO:0011229, OMIM 602473. Disease mechanism: loss of function.

Submissions (3):

Natera, Inc.
Classification: Likely pathogenic for Ethylmalonic encephalopathy. Last evaluated: 2024-05-24. Review status: criteria provided, single submitter. Criteria: Natera Variant Classification Schema (03/2026). Collection method: clinical testing. Allele origin: germline.
Comment: The c.493G>C variant in ETHE1 is a missense variant predicted to cause substitution of aspartic acid to histidine at amino acid 165. This variant is rare in the general population with a frequency below the threshold expected for the associated phenotype(s). This variant has been observed in one or more individuals affected with the associated recessive disease, as either homozygous or compound heterozygous with a second variant (PMID: 32111695). Functional studies show that this variant may disrupt protein function (PMID: 32111695, 33639274). A different variant at the same position has been determined to be Pathogenic or Likely Pathogenic. Computational prediction algorithms indicate this variant is likely to affect gene or protein function. Given the available evidence, this variant is classified as Likely Pathogenic.

Neuberg Centre For Genomic Medicine, NCGM
Classification: Uncertain significance for Ethylmalonic encephalopathy. Last evaluated: 2023-06-22. Review status: criteria provided, single submitter. Criteria: ACMG Guidelines, 2015. Collection method: clinical testing. Allele origin: germline. Inheritance: Autosomal recessive inheritance. Affected: yes.
Comment: The observed missense variant c.493G>C(p.Asp165His) in ETHE1 gene has been reported previously in homozygous state in an individual with Ethylmalonic encephalopathy (Govindaraj P, et al., 2020). The Same codon with a different amino acid change c.494A>G (p.Asp165Gly) has been submitted to the ClinVar as Likely Pathogenic. The (p.Asp165His) variant is absent in gnomAD Exomes. The amino acid Asp at position 165 is changed to a His changing protein sequence and it might alter its composition and physico-chemical properties. Multiple lines of computational evidence (Polyphen-probably damaging, SIFT-damaging and Mutation Taster-disease causing) predict a damaging effect on protein structure and function for this variant. The reference amino acid p.Asp165His in ETHE1 is predicted as conserved by GERP++ and PhyloP across 100 vertebrates. For these reasons, this variant has been classified as Uncertain Significance.

OMIM
Classification: Pathogenic for ENCEPHALOPATHY, ETHYLMALONIC. Last evaluated: 2024-10-22. Review status: no assertion criteria provided. Collection method: literature only. Allele origin: germline. Not counted in ClinVar's aggregate classification.

Literature cited by the submitters: PubMed 32111695 (cited by Natera, Inc. and OMIM); PubMed 33639274 (cited by Natera, Inc.).